The following is an entry in ClinVar:

ClinVar aggregate classification (germline): Uncertain significance (1 of 4 stars; one submission).

Conditions:
Severe combined immunodeficiency due to DNA-PKcs deficiency. Also called: Immunodeficiency 26 with or without neurologic abnormalities; IMMUNODEFICIENCY 26 WITH NEUROLOGIC ABNORMALITIES. Identifiers: Orphanet 317425, MedGen C4014833, MONDO:0014423, OMIM 615966.

Allele frequency attached by ClinVar (database versions not stated): gnomAD 0.00001; TOPMed 0.00001.
gnomAD v4.1: 11 of 1,613,878 alleles (0.00068%); highest among the groups gnomAD compares: East Asian, 0.018%; no homozygotes.

Submission:

Labcorp Genetics (formerly Invitae), Labcorp
Classification: Uncertain significance for Severe combined immunodeficiency due to DNA-PKcs deficiency. Last evaluated: 2022-06-20. Review status: criteria provided, single submitter. Criteria: Invitae Variant Classification Sherloc (09022015). Collection method: clinical testing. Allele origin: germline.
Comment: This variant is not present in population databases (gnomAD no frequency). In summary, the available evidence is currently insufficient to determine the role of this variant in disease. Therefore, it has been classified as a Variant of Uncertain Significance. Experimental studies and prediction algorithms are not available or were not evaluated, and the functional significance of this variant is currently unknown. ClinVar contains an entry for this variant (Variation ID: 1053314). This variant has not been reported in the literature in individuals affected with PRKDC-related conditions. This sequence change replaces proline, which is neutral and non-polar, with leucine, which is neutral and non-polar, at codon 2793 of the PRKDC protein (p.Pro2793Leu).

NM_006904.7(PRKDC):c.8378C>T (p.Pro2793Leu)

Gene: PRKDC (protein kinase, DNA-activated, catalytic subunit; minus strand). Cytogenetic location: 8q11.21.
Variant type: single nucleotide variant.
Coding change: c.8378C>T on transcript NM_006904.7 (MANE Select); coding-DNA position 8378, C replaced by T.
Protein change: p.Pro2793Leu; replaces proline 2793 with leucine.
Molecular consequence: missense variant.
Genome position (GRCh38, 1-based): chr8:47,830,624, G>A on the plus strand (C>T on the coding strand, the complement: PRKDC is on the minus strand). VCF-style: chr8-47830624-G-A. GRCh37 (hg19) VCF-style: chr8-48743185-G-A.
Other names: c.8378C>T, p.Pro2793Leu (NM_001081640.2); short protein forms P2793L.
Identifiers: ClinVar variation 1053314 (VCV001053314.5), dbSNP rs2087844135, ClinGen allele CA371146597.
Genomic context (GRCh38, chr8:47,830,624, plus strand): 5'-ATTTTAACCTGTCAACAGAAAACGCAGCGGCAAAAACTGACCTGGGCCACGGCCTGTAAC[G>A]GGGTGATGAGGCTGCTGTGCTTGATCTGAATGTCAGGAAGGTCTCCGTGCCGGTAGCTTC-3'
Protein context (NP_008835.5, residues 2783-2803): IQIKHSSLIT[Pro2793Leu]LQAVAQRDPI